The following is an entry in ClinVar:

NM_005251.3(FOXC2):c.634G>A (p.Val212Met)

Gene: FOXC2 (forkhead box C2; plus strand). Cytogenetic location: 16q24.1.
Variant type: single nucleotide variant.
Coding change: c.634G>A on transcript NM_005251.3 (MANE Select); coding-DNA position 634, G replaced by A.
Protein change: p.Val212Met; replaces valine 212 with methionine.
Molecular consequence: missense variant.
Genome position (GRCh38, 1-based): chr16:86,567,969, G>A. VCF-style: chr16-86567969-G-A. GRCh37 (hg19) VCF-style: chr16-86601575-G-A.
Other names: short protein forms V212M.
Identifiers: ClinVar variation 4708408 (VCV004708408.1).

ClinVar aggregate classification (germline): Uncertain significance (1 of 4 stars; one submission).

Submission:

Labcorp Genetics (formerly Invitae), Labcorp
Classification: Uncertain significance. Last evaluated: 2025-11-06. Review status: criteria provided, single submitter. Criteria: Invitae Variant Classification Sherloc (09022015). Collection method: clinical testing. Allele origin: germline.
Comment: This sequence change replaces valine, which is neutral and non-polar, with methionine, which is neutral and non-polar, at codon 212 of the FOXC2 protein (p.Val212Met). This variant is present in population databases (rs201895173, gnomAD 0.03%). This variant has not been reported in the literature in individuals affected with FOXC2-related conditions. An algorithm developed to predict the effect of missense changes on protein structure and function (PolyPhen-2) suggests that this variant is likely to be disruptive. In summary, the available evidence is currently insufficient to determine the role of this variant in disease. Therefore, it has been classified as a Variant of Uncertain Significance.